The following is an entry in ClinVar:

NM_014112.5(TRPS1):c.304G>A (p.Glu102Lys)

Gene: TRPS1 (transcriptional repressor GATA binding 1; minus strand). Cytogenetic location: 8q23.3.
Variant type: single nucleotide variant.
Coding change: c.304G>A on transcript NM_014112.5 (MANE Select); coding-DNA position 304, G replaced by A.
Protein change: p.Glu102Lys; replaces glutamic acid 102 with lysine.
Molecular consequence: missense variant.
Genome position (GRCh38, 1-based): chr8:115,619,794, C>T on the plus strand (G>A on the coding strand, the complement: TRPS1 is on the minus strand). VCF-style: chr8-115619794-C-T. GRCh37 (hg19) VCF-style: chr8-116632021-C-T.
Other names: c.277G>A, p.Glu93Lys (NM_001282902.3); c.283G>A, p.Glu95Lys (NM_001282903.3); c.265G>A, p.Glu89Lys (NM_001330599.2); short protein forms E102K, E89K, E93K, E95K.
Identifiers: ClinVar variation 2949230 (VCV002949230.3), dbSNP rs1400125756, ClinGen allele CA372069921.

ClinVar aggregate classification (germline): Uncertain significance (1 of 4 stars; one submission).

Conditions:
Trichorhinophalangeal dysplasia type I (TRPS1). Also called: TRICHORHINOPHALANGEAL SYNDROME, TYPE I; TRPS I. Identifiers: Orphanet 77258, MedGen C0432233, MONDO:0008596, OMIM 190350.
Trichorhinophalangeal syndrome, type III (TRPS3). Also called: SUGIO-KAJII SYNDROME. Identifiers: Orphanet 77258, MedGen C1860823, OMIM 190351, MONDO:0008597.

Allele frequency attached by ClinVar (database versions not stated): gnomAD exomes 0.00001; gnomAD 0.00004; TOPMed 0.00004.
gnomAD v4.1: 15 of 1,614,070 alleles (0.00093%); highest among the groups gnomAD compares: Non-Finnish European, 0.0013%; no homozygotes.

Submission:

Labcorp Genetics (formerly Invitae), Labcorp
Classification: Uncertain significance for Trichorhinophalangeal syndrome, type III; Trichorhinophalangeal dysplasia type I. Last evaluated: 2023-09-03. Review status: criteria provided, single submitter. Criteria: Invitae Variant Classification Sherloc (09022015). Collection method: clinical testing. Allele origin: germline.
Comment: In summary, the available evidence is currently insufficient to determine the role of this variant in disease. Therefore, it has been classified as a Variant of Uncertain Significance. Advanced modeling of protein sequence and biophysical properties (such as structural, functional, and spatial information, amino acid conservation, physicochemical variation, residue mobility, and thermodynamic stability) performed at Invitae indicates that this missense variant is not expected to disrupt TRPS1 protein function. This variant has not been reported in the literature in individuals affected with TRPS1-related conditions. This variant is present in population databases (no rsID available, gnomAD 0.003%). This sequence change replaces glutamic acid, which is acidic and polar, with lysine, which is basic and polar, at codon 102 of the TRPS1 protein (p.Glu102Lys).